The following is an entry in ClinVar:

NM_001003800.2(BICD2):c.1787G>T (p.Gly596Val)

Gene: BICD2 (BICD cargo adaptor 2; minus strand). Cytogenetic location: 9q22.31.
Variant type: single nucleotide variant.
Coding change: c.1787G>T on transcript NM_001003800.2 (MANE Select); coding-DNA position 1787, G replaced by T.
Protein change: p.Gly596Val; replaces glycine 596 with valine.
Molecular consequence: missense variant.
Genome position (GRCh38, 1-based): chr9:92,718,858, C>A on the plus strand (G>T on the coding strand, the complement: BICD2 is on the minus strand). VCF-style: chr9-92718858-C-A. GRCh37 (hg19) VCF-style: chr9-95481140-C-A.
Other names: c.1787G>T, p.Gly596Val (NM_015250.4); short protein forms G596V.
Identifiers: ClinVar variation 653344 (VCV000653344.9), dbSNP rs1377173037, ClinGen allele CA374035788.
Genomic context (GRCh38, chr9:92,718,858, plus strand): 5'-GGTGATGGCAGTGAGGAGCCAGGCGAGGGGCTGCTGTCCCCCGTCCCACCATCTGCTCGG[C>A]CCGCCTCAGGAGCCAGCAGCCCCTTGGGTAGGAGGATGGGTGAGCGCCGGCCACGCGCCT-3'
Protein context (NP_001003800.1, residues 586-606): LPKGLLAPEA[Gly596Val]RADGGTGDSS

ClinVar aggregate classification (germline): Uncertain significance (1 of 4 stars; one submission).

Conditions:
Autosomal dominant childhood-onset proximal spinal muscular atrophy with contractures (SMALED2A). Also called: Spinal muscular atrophy, lower extremity-predominant, 2A, autosomal dominant; SPINAL MUSCULAR ATROPHY, LOWER EXTREMITY-PREDOMINANT, 2A, CHILDHOOD ONSET, AUTOSOMAL DOMINANT. Identifiers: Orphanet 363447, Orphanet 363454, MedGen C4747715, MONDO:0014121, OMIM 615290.

Allele frequency attached by ClinVar (database versions not stated): gnomAD exomes below 0.00001.
gnomAD v4.1: 1 of 1,603,802 alleles (0.000062%); no homozygotes.

Submission:

Labcorp Genetics (formerly Invitae), Labcorp
Classification: Uncertain significance for Autosomal dominant childhood-onset proximal spinal muscular atrophy with contractures. Last evaluated: 2018-11-12. Review status: criteria provided, single submitter. Criteria: Invitae Variant Classification Sherloc (09022015). Collection method: clinical testing. Allele origin: germline.
Comment: This sequence change replaces glycine with valine at codon 596 of the BICD2 protein (p.Gly596Val). The glycine residue is weakly conserved and there is a moderate physicochemical difference between glycine and valine. This variant is not present in population databases (ExAC no frequency). This variant has not been reported in the literature in individuals with BICD2-related disease. Algorithms developed to predict the effect of missense changes on protein structure and function (SIFT, PolyPhen-2, Align-GVGD) all suggest that this variant is likely to be tolerated, but these predictions have not been confirmed by published functional studies and their clinical significance is uncertain. In summary, the available evidence is currently insufficient to determine the role of this variant in disease. Therefore, it has been classified as a Variant of Uncertain Significance.